The following is an entry in ClinVar:

NM_025179.4(PLXNA2):c.1849G>A (p.Gly617Arg)

Gene: PLXNA2 (plexin A2; minus strand). Cytogenetic location: 1q32.2.
Variant type: single nucleotide variant.
Coding change: c.1849G>A on transcript NM_025179.4 (MANE Select); coding-DNA position 1849, G replaced by A.
Protein change: p.Gly617Arg; replaces glycine 617 with arginine.
Molecular consequence: missense variant.
Genome position (GRCh38, 1-based): chr1:208,096,766, C>T on the plus strand (G>A on the coding strand, the complement: PLXNA2 is on the minus strand). VCF-style: chr1-208096766-C-T. GRCh37 (hg19) VCF-style: chr1-208270111-C-T.
Other names: short protein forms G617R.
Identifiers: ClinVar variation 2998886 (VCV002998886.3), dbSNP rs1666908835, ClinGen allele CA344556213.

ClinVar aggregate classification (germline): Uncertain significance (1 of 4 stars; one submission).

Allele frequency attached by ClinVar (database versions not stated): gnomAD 0.00001; TOPMed 0.00001.

Submission:

Labcorp Genetics (formerly Invitae), Labcorp
Classification: Uncertain significance. Last evaluated: 2023-04-29. Review status: criteria provided, single submitter. Criteria: Invitae Variant Classification Sherloc (09022015). Collection method: clinical testing. Allele origin: germline.
Comment: In summary, the available evidence is currently insufficient to determine the role of this variant in disease. Therefore, it has been classified as a Variant of Uncertain Significance. Advanced modeling of protein sequence and biophysical properties (such as structural, functional, and spatial information, amino acid conservation, physicochemical variation, residue mobility, and thermodynamic stability) performed at Invitae indicates that this missense variant is not expected to disrupt PLXNA2 protein function. This variant has not been reported in the literature in individuals affected with PLXNA2-related conditions. This variant is not present in population databases (gnomAD no frequency). This sequence change replaces glycine, which is neutral and non-polar, with arginine, which is basic and polar, at codon 617 of the PLXNA2 protein (p.Gly617Arg).